The following is an entry in ClinVar:

ClinVar aggregate classification (germline): Uncertain significance (0 of 4 stars; one submission).

Conditions:
CFAP44-related disorder. Also called: CFAP44-related condition.

gnomAD v4.1: 267 of 1,535,754 alleles (0.017%); highest among the groups gnomAD compares: Non-Finnish European, 0.021%; no homozygotes.

Submission:

PreventionGenetics, part of Exact Sciences
Classification: Uncertain significance for CFAP44-related condition. Last evaluated: 2024-03-12. Review status: no assertion criteria provided. Collection method: clinical testing. Allele origin: germline.
Comment: The CFAP44 c.5384T>C variant is predicted to result in the amino acid substitution p.Phe1795Ser. To our knowledge, this variant has not been reported in the literature. This variant is reported in 0.058% of alleles in individuals of European (Non-Finnish) descent in gnomAD. At this time, the clinical significance of this variant is uncertain due to the absence of conclusive functional and genetic evidence.

NM_001164496.2(CFAP44):c.5384T>C (p.Phe1795Ser)

Genes: CFAP44 (cilia and flagella associated protein 44; minus strand), SPICE1-CFAP44 (SPICE1-CFAP44 readthrough (NMD candidate); minus strand). Cytogenetic location: 3q13.2.
Variant type: single nucleotide variant.
Coding change: c.5384T>C on transcript NM_001164496.2 (MANE Select); coding-DNA position 5384, T replaced by C.
Protein change: p.Phe1795Ser; replaces phenylalanine 1795 with serine.
Molecular consequence: missense variant. On other transcripts: non-coding transcript variant (6).
Genome position (GRCh38, 1-based): chr3:113,291,738, A>G on the plus strand (T>C on the coding strand, the complement: CFAP44 is on the minus strand). VCF-style: chr3-113291738-A-G. GRCh37 (hg19) VCF-style: chr3-113010585-A-G.
Other names: short protein forms F1795S.
Identifiers: ClinVar variation 3352567 (VCV003352567.1).